The following is an entry in ClinVar:

ClinVar aggregate classification (germline): Conflicting classifications of pathogenicity. Review status: criteria provided, conflicting classifications (1 of 4 stars). 2 submissions from 2 submitters: Uncertain significance (1); Likely benign (1). Last evaluated 2025-01-27.

Conditions:
Cardiovascular phenotype. Identifiers: MedGen CN230736.
Brugada syndrome. Also called: Sudden unexpected nocturnal death syndrome; Sudden unexplained nocturnal death syndrome; Sudden Unexplained Death Syndrome; Sudden Unexplained Nocturnal Death Syndrome (SUNDS). Identifiers: Orphanet 130, MedGen C1142166, MONDO:0015263.

Allele frequency attached by ClinVar (database versions not stated): gnomAD exomes 0.00001; TOPMed 0.00001; ExAC 0.00002; gnomAD 0.00003; 1000 Genomes Project 30x 0.00016; 1000 Genomes Project 0.00020.
gnomAD v4.1: 15 of 1,614,076 alleles (0.00093%); highest among the groups gnomAD compares: East Asian, 0.0089%; no homozygotes.

Submissions (2):

Labcorp Genetics (formerly Invitae), Labcorp
Classification: Uncertain significance for Brugada syndrome. Last evaluated: 2025-01-27. Review status: criteria provided, single submitter. Criteria: Invitae Variant Classification Sherloc (09022015). Collection method: clinical testing. Allele origin: germline.
Comment: This sequence change affects codon 168 of the GPD1L mRNA. It is a 'silent' change, meaning that it does not change the encoded amino acid sequence of the GPD1L protein. It affects a nucleotide within the consensus splice site. This variant is present in population databases (rs139369157, gnomAD 0.005%). This variant has not been reported in the literature in individuals affected with GPD1L-related conditions. ClinVar contains an entry for this variant (Variation ID: 2449702). Algorithms developed to predict the effect of sequence changes on RNA splicing suggest that this variant is not likely to affect RNA splicing. In summary, the available evidence is currently insufficient to determine the role of this variant in disease. Therefore, it has been classified as a Variant of Uncertain Significance.

Ambry Genetics
Classification: Likely benign for Cardiovascular phenotype. Last evaluated: 2023-01-18. Review status: criteria provided, single submitter. Criteria: Ambry Variant Classification Scheme 2023. Collection method: clinical testing. Allele origin: germline.

NM_015141.4(GPD1L):c.504C>T (p.Ile168=)

Gene: GPD1L (glycerol-3-phosphate dehydrogenase 1 like; plus strand). Cytogenetic location: 3p22.3.
Variant type: single nucleotide variant.
Coding change: c.504C>T on transcript NM_015141.4 (MANE Select); coding-DNA position 504, C replaced by T.
Protein change: p.Ile168=; no amino-acid change (isoleucine 168 retained).
Molecular consequence: synonymous variant.
Genome position (GRCh38, 1-based): chr3:32,140,365, C>T. VCF-style: chr3-32140365-C-T. GRCh37 (hg19) VCF-style: chr3-32181857-C-T.
Identifiers: ClinVar variation 2449702 (VCV002449702.5), dbSNP rs139369157, ClinGen allele CA2296655.